The following is an entry in ClinVar:

ClinVar aggregate classification (germline): Likely benign. Review status: criteria provided, single submitter (1 of 4 stars). 2 submissions from 2 submitters: Likely benign (1). 1 of the submissions does not count toward it. Last evaluated 2025-03-23.

Conditions:
KLHL40-related disorder. Also called: KLHL40-related condition.
Nemaline myopathy 8 (NEM8). Also called: Nemaline myopathy 8, autosomal recessive. Identifiers: Orphanet 171430, MedGen C3809209, MONDO:0014138, OMIM 615348.

Allele frequency attached by ClinVar (database versions not stated): gnomAD exomes 0.00001 and 0.00004; 1000 Genomes Project 0.00020; ExAC 0.00005; gnomAD 0.00005 and 0.00006; ESP Exome Variant Server 0.00008; 1000 Genomes Project 30x 0.00016; TOPMed 0.00007.

Submissions (2):

Labcorp Genetics (formerly Invitae), Labcorp
Classification: Likely benign for Nemaline myopathy 8. Last evaluated: 2025-03-23. Review status: criteria provided, single submitter. Criteria: Invitae Variant Classification Sherloc (09022015). Collection method: clinical testing. Allele origin: germline.

PreventionGenetics, part of Exact Sciences
Classification: Likely benign for KLHL40-related condition. Last evaluated: 2019-08-29. Review status: no assertion criteria provided. Collection method: clinical testing. Allele origin: germline. Not counted in ClinVar's aggregate classification.
Comment: This variant is classified as likely benign based on ACMG/AMP sequence variant interpretation guidelines (Richards et al. 2015 PMID: 25741868, with internal and published modifications).

NM_152393.4(KLHL40):c.1313+9G>A

Gene: KLHL40 (kelch like family member 40; plus strand). Cytogenetic location: 3p22.1.
Variant type: single nucleotide variant.
Coding change: c.1313+9G>A on transcript NM_152393.4 (MANE Select); 9 bases into the intron after coding-DNA position 1313, G replaced by A.
Molecular consequence: intron variant.
Genome position (GRCh38, 1-based): chr3:42,688,311, G>A. VCF-style: chr3-42688311-G-A. GRCh37 (hg19) VCF-style: chr3-42729803-G-A.
Identifiers: ClinVar variation 541333 (VCV000541333.13), dbSNP rs368074669, ClinGen allele CA2336891.